The following is an entry in ClinVar:

NM_013275.6(ANKRD11):c.6577del (p.Asp2193fs)

Gene: ANKRD11 (ankyrin repeat domain 11; minus strand). Cytogenetic location: 16q24.3.
Variant type: Deletion.
Coding change: c.6577del on transcript NM_013275.6 (MANE Select); coding-DNA position 6577, one base deleted (G; older notation c.6577delG).
Protein change: p.Asp2193fs; shifts the reading frame from aspartic acid 2193.
Molecular consequence: frameshift variant.
Genome position (GRCh38, 1-based): chr16:89,279,965, C deleted on the plus strand (G on the coding strand, the reverse complement: ANKRD11 is on the minus strand). VCF-style (leftmost placement, unchanged base first): chr16-89279964-TC-T. GRCh37 (hg19) VCF-style: chr16-89346372-TC-T.
Other names: c.6577del, p.Asp2193fs (NM_001256182.2, NM_001256183.2); short protein forms D2193fs.
Identifiers: ClinVar variation 3901039 (VCV003901039.1).

ClinVar aggregate classification (germline): Likely pathogenic (1 of 4 stars; one submission).

Conditions:
KBG syndrome (KBGS). Also called: ANKRD11-Related KBG Syndrome. Identifiers: Orphanet 2332, MedGen C0220687, MONDO:0007846, OMIM 148050.

Submission:

Laboratorio de Genetica e Diagnostico Molecular, Hospital Israelita Albert Einstein
Classification: Likely pathogenic for KBG syndrome. Last evaluated: 2023-05-18. Review status: criteria provided, single submitter. Criteria: ACMG Guidelines, 2015. Collection method: clinical testing. Allele origin: germline. Affected: yes.
Comment: ACMG classification criteria: PVS1 very strong, PM2 moderate